The following is an entry in ClinVar:

ClinVar aggregate classification (germline): Uncertain significance. Review status: criteria provided, multiple submitters, no conflicts (2 of 4 stars). 3 submissions from 3 submitters: Uncertain significance (3). Last evaluated 2025-12-24.

Allele frequency attached by ClinVar (database versions not stated): gnomAD exomes 0.00007; ESP Exome Variant Server 0.00008; ExAC 0.00009.
gnomAD v4.1: 191 of 1,600,602 alleles (0.012%); highest among the groups gnomAD compares: South Asian, 0.03%; no homozygotes.

Submissions (3):

Labcorp Genetics (formerly Invitae), Labcorp
Classification: Uncertain significance. Last evaluated: 2025-12-24. Review status: criteria provided, single submitter. Criteria: Invitae Variant Classification Sherloc (09022015). Collection method: clinical testing. Allele origin: germline.
Comment: This sequence change replaces proline, which is neutral and non-polar, with threonine, which is neutral and polar, at codon 513 of the RELA protein (p.Pro513Thr). This variant is present in population databases (rs200767506, gnomAD 0.02%). This variant has not been reported in the literature in individuals affected with RELA-related conditions. ClinVar contains an entry for this variant (Variation ID: 1480493). An algorithm developed to predict the effect of missense changes on protein structure and function (PolyPhen-2) suggests that this variant is likely to be disruptive. In summary, the available evidence is currently insufficient to determine the role of this variant in disease. Therefore, it has been classified as a Variant of Uncertain Significance.

Ambry Genetics
Classification: Uncertain significance. Last evaluated: 2023-07-19. Review status: criteria provided, single submitter. Criteria: Ambry Variant Classification Scheme 2023. Collection method: clinical testing. Allele origin: germline.

GeneDx
Classification: Uncertain significance. Last evaluated: 2023-02-17. Review status: criteria provided, single submitter. Criteria: GeneDx Variant Classification Process June 2021. Collection method: clinical testing. Allele origin: germline. Affected: yes.
Comment: In silico analysis supports that this missense variant does not alter protein structure/function; Has not been previously published as pathogenic or benign to our knowledge

NM_021975.4(RELA):c.1537C>A (p.Pro513Thr)

Gene: RELA (RELA proto-oncogene, NF-kB subunit; minus strand). Cytogenetic location: 11q13.1.
Variant type: single nucleotide variant.
Coding change: c.1537C>A on transcript NM_021975.4 (MANE Select); coding-DNA position 1537, C replaced by A.
Protein change: p.Pro513Thr; replaces proline 513 with threonine.
Molecular consequence: missense variant.
Genome position (GRCh38, 1-based): chr11:65,654,497, G>T on the plus strand (C>A on the coding strand, the complement: RELA is on the minus strand). VCF-style: chr11-65654497-G-T. GRCh37 (hg19) VCF-style: chr11-65421968-G-T.
Other names: c.1528C>A, p.Pro510Thr (NM_001145138.2); c.1330C>A, p.Pro444Thr (NM_001243984.2); c.1228C>A, p.Pro410Thr (NM_001243985.2); c.1537C>A (NM_021975.3); short protein forms P410T, P510T, P444T, P513T.
Identifiers: ClinVar variation 1480493 (VCV001480493.11), dbSNP rs200767506, ClinGen allele CA6106580.